The following is an entry in ClinVar:

ClinVar aggregate classification (germline): Uncertain significance (1 of 4 stars; one submission).

Submission:

Labcorp Genetics (formerly Invitae), Labcorp
Classification: Uncertain significance. Last evaluated: 2024-12-23. Review status: criteria provided, single submitter. Criteria: Invitae Variant Classification Sherloc (09022015). Collection method: clinical testing. Allele origin: germline.
Comment: This sequence change replaces proline, which is neutral and non-polar, with alanine, which is neutral and non-polar, at codon 38 of the RNF168 protein (p.Pro38Ala). This variant is not present in population databases (gnomAD no frequency). This variant has not been reported in the literature in individuals affected with RNF168-related conditions. An algorithm developed to predict the effect of missense changes on protein structure and function outputs the following: PolyPhen-2: "Benign". The alanine amino acid residue is found in multiple mammalian species, which suggests that this missense change does not adversely affect protein function. In summary, the available evidence is currently insufficient to determine the role of this variant in disease. Therefore, it has been classified as a Variant of Uncertain Significance.

NM_152617.4(RNF168):c.112C>G (p.Pro38Ala)

Gene: RNF168 (ring finger protein 168; minus strand). Cytogenetic location: 3q29.
Variant type: single nucleotide variant.
Coding change: c.112C>G on transcript NM_152617.4 (MANE Select); coding-DNA position 112, C replaced by G.
Protein change: p.Pro38Ala; replaces proline 38 with alanine.
Molecular consequence: missense variant.
Genome position (GRCh38, 1-based): chr3:196,503,062, G>C on the plus strand (C>G on the coding strand, the complement: RNF168 is on the minus strand). VCF-style: chr3-196503062-G-C. GRCh37 (hg19) VCF-style: chr3-196229933-G-C.
Other names: short protein forms P38A.
Identifiers: ClinVar variation 3613780 (VCV003613780.2).
Genomic context (GRCh38, chr3:196,503,062, plus strand): 5'-CCCGGCGGCGACAGAAGGGACAGCATAAACTCGCCTTTTCGACGGTCGACTGGAAGCACG[G>C]TTTACACAGCGTGTGGTTACACGGGAGGGTGACGGGCTCCACGAGGATTTCCATGCAGAT-3'
Protein context (NP_689830.2, residues 28-48): TLPCNHTLCK[Pro38Ala]CFQSTVEKAS